The following is an entry in ClinVar:

NM_013450.4(BAZ2B):c.3596C>T (p.Thr1199Ile)

Gene: BAZ2B (bromodomain adjacent to zinc finger domain 2B; minus strand). Cytogenetic location: 2q24.2.
Variant type: single nucleotide variant.
Coding change: c.3596C>T on transcript NM_013450.4 (MANE Select); coding-DNA position 3596, C replaced by T.
Protein change: p.Thr1199Ile; replaces threonine 1199 with isoleucine.
Molecular consequence: missense variant.
Genome position (GRCh38, 1-based): chr2:159,385,245, G>A on the plus strand (C>T on the coding strand, the complement: BAZ2B is on the minus strand). VCF-style: chr2-159385245-G-A. GRCh37 (hg19) VCF-style: chr2-160241756-G-A.
Other names: c.3488C>T, p.Thr1163Ile (NM_001289975.1); c.3434C>T, p.Thr1145Ile (NM_001329857.2); c.3521C>T, p.Thr1174Ile (NM_001329858.2); short protein forms T1145I, T1163I, T1174I, T1199I.
Identifiers: ClinVar variation 4540225 (VCV004540225.1).

ClinVar aggregate classification (germline): Uncertain significance (1 of 4 stars; one submission).

Submission:

GeneDx
Classification: Uncertain significance. Last evaluated: 2025-06-25. Review status: criteria provided, single submitter. Criteria: GeneDx Variant Classification Process June 2021. Collection method: clinical testing. Allele origin: germline. Affected: yes.
Comment: Not observed at significant frequency in large population cohorts (gnomAD); In silico analysis supports that this missense variant has a deleterious effect on protein structure/function; Has not been previously published as pathogenic or benign to our knowledge